The following is an entry in ClinVar:

ClinVar aggregate classification (germline): Uncertain significance (1 of 4 stars; one submission).

Conditions:
Lowe syndrome (OCRL). Also called: LOWE OCULOCEREBRORENAL SYNDROME; PHOSPHATIDYLINOSITOL 4,5-BISPHOSPHATE 5-PHOSPHATASE DEFICIENCY; Oculocerebrorenal Syndrome. Identifiers: Orphanet 534, MedGen C0028860, MONDO:0010645, OMIM 309000.

Submission:

Labcorp Genetics (formerly Invitae), Labcorp
Classification: Uncertain significance for Lowe syndrome. Last evaluated: 2024-05-16. Review status: criteria provided, single submitter. Criteria: Invitae Variant Classification Sherloc (09022015). Collection method: clinical testing. Allele origin: germline.
Comment: This sequence change disrupts the translational stop signal of the OCRL mRNA. It is expected to extend the length of the OCRL protein by 92 additional amino acid residues. This variant is not present in population databases (gnomAD no frequency). This variant has not been reported in the literature in individuals affected with OCRL-related conditions. In summary, the available evidence is currently insufficient to determine the role of this variant in disease. Therefore, it has been classified as a Variant of Uncertain Significance.

NM_000276.4(OCRL):c.2704_2705del (p.Ter902ArgextTer?)

Gene: OCRL (OCRL inositol polyphosphate-5-phosphatase; plus strand). Cytogenetic location: Xq26.1.
Variant type: Deletion.
Coding change: c.2704_2705del on transcript NM_000276.4 (MANE Select); coding-DNA positions 2704 to 2705, 2 bases deleted (TA; older notation c.2704_2705delTA).
Protein change: p.Ter902ArgextTer?.
Molecular consequence: frameshift variant, stop lost.
Genome position (GRCh38, 1-based): chrX:129,590,268-129,590,269, TA deleted. VCF-style (leftmost placement, unchanged base first): chrX-129590267-CTA-C. GRCh37 (hg19) VCF-style: chrX-128724244-CTA-C.
Other names: c.2707_2708del, p.Ter903ArgextTer? (NM_001318784.2); c.2680_2681del, p.Ter894ArgextTer? (NM_001587.4).
Identifiers: ClinVar variation 3653604 (VCV003653604.2).